The following is an entry in ClinVar:

ClinVar aggregate classification (germline): Pathogenic/Likely pathogenic. Review status: criteria provided, multiple submitters, no conflicts (2 of 4 stars). 3 submissions from 3 submitters: Pathogenic (1); Likely pathogenic (2). Last evaluated 2026-01-15.

Conditions:
Ichthyosis vulgaris. Also called: ICHTHYOSIS SIMPLEX; Dominant ichthyosis vulgaris. Identifiers: MedGen C0079584, MONDO:0024304, OMIM 146700.
FLG-related disorder. Also called: FLG-related condition; FLG-related disorders.
Dermatitis, atopic, 2. Identifiers: MedGen C1853965, MONDO:0011596, OMIM 605803.

Submissions (3):

3billion
Classification: Likely pathogenic for Ichthyosis vulgaris. Last evaluated: 2026-01-15. Review status: criteria provided, single submitter. Criteria: ACMG Guidelines, 2015. Collection method: clinical testing. Allele origin: germline. Affected: yes.
Comment: The variant is observed at an extremely low frequency in the gnomAD v4.1.0 dataset (total allele frequency: <0.001%). Predicted Consequence/Location: Frameshift: predicted to result in a loss or disruption of normal protein function through protein truncation. The predicted truncated protein may be shortened by more than 10%. The variant has been reported to be associated with FLG-related disorder (ClinVar ID: VCV003906969 /PMID: 18239616). Therefore, this variant is classified as Likely pathogenic according to the recommendation of ACMG/AMP guideline.

Blueprint Genetics
Classification: Likely pathogenic for FLG-related disorders. Last evaluated: 2023-09-25. Review status: criteria provided, single submitter. Criteria: ACMG Guidelines, 2015. Collection method: clinical testing. Allele origin: germline. Affected: yes. Observed: 1 variant allele.

Juno Genomics, Hangzhou Juno Genomics, Inc
Classification: Pathogenic for Dermatitis, atopic, 2; Ichthyosis vulgaris. Review status: criteria provided, single submitter. Criteria: ACMG Guidelines, 2015. Collection method: clinical testing. Allele origin: germline. Affected: yes.
Comment: Absent from controls (or at extremely low frequency if recessive) in Genome Aggregation Database, Exome Sequencing Project, 1000 Genomes Project, or Exome Aggregation Consortium.;Null variant in a gene where loss of function (LOF) is a known mechanism of disease.;The prevalence of the variant in affected individuals is significantly increased compared to the prevalence in controls.;For recessive disorders, detected in trans with a pathogenic variant.;Patient's phenotype or family history is highly specific for a disease with a single genetic etiology.

Literature cited by the submitters: PubMed 18239616 (cited by 3billion).

NM_002016.2(FLG):c.441del (p.Arg151fs)

Genes: CCDST (cervical cancer associated DHX9 suppressive transcript; plus strand), FLG (filaggrin; minus strand). Cytogenetic location: 1q21.3.
Variant type: Deletion.
Coding change: c.441del on transcript NM_002016.2 (MANE Select); coding-DNA position 441, one base deleted (A; older notation c.441delA).
Protein change: p.Arg151fs; shifts the reading frame from arginine 151.
Molecular consequence: frameshift variant.
Genome position (GRCh38, 1-based): chr1:152,314,445, T deleted on the plus strand (A on the coding strand, the reverse complement: FLG is on the minus strand). VCF-style (leftmost placement, unchanged base first): chr1-152314444-CT-C. GRCh37 (hg19) VCF-style: chr1-152286920-CT-C.
Other names: short protein forms R151fs.
Identifiers: ClinVar variation 3906969 (VCV003906969.4).
Genomic context (GRCh38, chr1:152,314,444, plus strand): 5'-GAGTAGGTGAATATCCTTTTCTTTCTTTTTTTTCAGAACTAGATTCATGCCTTTTCCCCC[CT>C]GTTTCTCTTGGGCTCTTGGATCTTCCCTTATTCCCTTTTCTATTGTTTCTTCTTTCCAGA-3'